The following is an entry in ClinVar:

NM_000289.6(PFKM):c.1193G>A (p.Ser398Asn)

Gene: PFKM (phosphofructokinase, muscle; plus strand). Cytogenetic location: 12q13.11.
Variant type: single nucleotide variant.
Coding change: c.1193G>A on transcript NM_000289.6 (MANE Select); coding-DNA position 1193, G replaced by A.
Protein change: p.Ser398Asn; replaces serine 398 with asparagine.
Molecular consequence: missense variant. On other transcripts: non-coding transcript variant (6).
Genome position (GRCh38, 1-based): chr12:48,140,723, G>A. VCF-style: chr12-48140723-G-A. GRCh37 (hg19) VCF-style: chr12-48534506-G-A.
Other names: c.1406G>A, p.Ser469Asn (NM_001166686.2, NM_001354737.1, NM_001354738.1 and 1 more transcripts); c.1193G>A, p.Ser398Asn (NM_001166687.2, NM_001166688.2, NM_001354742.2 and 2 more transcripts); c.1502G>A, p.Ser501Asn (NM_001354735.1, NM_001354736.1); c.1337G>A, p.Ser446Asn (NM_001354740.1); c.1217G>A, p.Ser406Asn (NM_001354741.2); c.1106G>A, p.Ser369Asn (NM_001354745.2); c.1067G>A, p.Ser356Asn (NM_001354746.2); c.1043G>A, p.Ser348Asn (NM_001354747.2, NM_001354748.2); and 1 more; short protein forms S356N, S367N, S369N, S469N, S348N, S398N, S501N, S406N.
Identifiers: ClinVar variation 2194668 (VCV002194668.1), dbSNP rs1355737289, ClinGen allele CA384550350.

ClinVar aggregate classification (germline): Uncertain significance (1 of 4 stars; one submission).

Conditions:
Glycogen storage disease, type VII (GSD7). Also called: PFKM DEFICIENCY; TARUI DISEASE; GSD VII; MUSCLE PHOSPHOFRUCTOKINASE DEFICIENCY. Identifiers: Orphanet 371, MedGen C0017926, MONDO:0009295, OMIM 232800.

Allele frequency attached by ClinVar (database versions not stated): TOPMed below 0.00001; gnomAD 0.00001.
gnomAD v4.1: 2 of 1,614,016 alleles (0.00012%); highest among the groups gnomAD compares: Admixed American, 0.0033%; no homozygotes.

Submission:

Labcorp Genetics (formerly Invitae), Labcorp
Classification: Uncertain significance for Glycogen storage disease, type VII. Last evaluated: 2022-03-11. Review status: criteria provided, single submitter. Criteria: Invitae Variant Classification Sherloc (09022015). Collection method: clinical testing. Allele origin: germline.
Comment: This sequence change replaces serine, which is neutral and polar, with asparagine, which is neutral and polar, at codon 398 of the PFKM protein (p.Ser398Asn). This variant is not present in population databases (gnomAD no frequency). This variant has not been reported in the literature in individuals affected with PFKM-related conditions. Algorithms developed to predict the effect of missense changes on protein structure and function (SIFT, PolyPhen-2, Align-GVGD) all suggest that this variant is likely to be tolerated. In summary, the available evidence is currently insufficient to determine the role of this variant in disease. Therefore, it has been classified as a Variant of Uncertain Significance.